The following is an entry in ClinVar:

NM_001077418.3(TMEM231):c.139+44G>T

Gene: TMEM231 (transmembrane protein 231; minus strand). Cytogenetic location: 16q23.1.
Variant type: single nucleotide variant.
Coding change: c.139+44G>T on transcript NM_001077418.3 (MANE Select); 44 bases into the intron after coding-DNA position 139, G replaced by T.
Molecular consequence: intron variant. On other transcripts: missense variant (1).
Genome position (GRCh38, 1-based): chr16:75,556,027, C>A on the plus strand (G>T on the coding strand, the complement: TMEM231 is on the minus strand). VCF-style: chr16-75556027-C-A. GRCh37 (hg19) VCF-style: chr16-75589925-C-A.
Other names: c.245G>T, p.Arg82Leu (NM_001077416.2); short protein forms R82L.
Identifiers: ClinVar variation 2131305 (VCV002131305.4), dbSNP rs1333395389, ClinGen allele CA396809839.
Genomic context (GRCh38, chr16:75,556,027, plus strand): 5'-CAAAACCCTGAGTTAAAGAGGGCGGTAGGGAGGCGGTTAGGGAGGCCGGCCCTGGCCGAG[C>A]GCGCCCGGGGAGCCTCGTGGCACAGCGGCCGGGGCAGGCTCACCGTGGCTCCGGAAGGCC-3'

ClinVar aggregate classification (germline): Uncertain significance (1 of 4 stars; one submission).

Conditions:
Meckel syndrome, type 11 (MKS11). Identifiers: Orphanet 564, MedGen C3809352, MONDO:0014164, OMIM 615397.
Joubert syndrome 20 (JBTS20). Identifiers: Orphanet 475, MedGen C3554235, MONDO:0013994, OMIM 614970.

Allele frequency attached by ClinVar (database versions not stated): gnomAD exomes below 0.00001; gnomAD 0.00001.

Submission:

Labcorp Genetics (formerly Invitae), Labcorp
Classification: Uncertain significance for Joubert syndrome 20; Meckel syndrome, type 11. Last evaluated: 2022-05-17. Review status: criteria provided, single submitter. Criteria: Invitae Variant Classification Sherloc (09022015). Collection method: clinical testing. Allele origin: germline.
Comment: This sequence change replaces arginine, which is basic and polar, with leucine, which is neutral and non-polar, at codon 82 of the TMEM231 protein (p.Arg82Leu). The frequency data for this variant in the population databases is considered unreliable, as metrics indicate poor data quality at this position in the gnomAD database. This variant has not been reported in the literature in individuals affected with TMEM231-related conditions. Algorithms developed to predict the effect of missense changes on protein structure and function are either unavailable or do not agree on the potential impact of this missense change (SIFT: "Tolerated"; PolyPhen-2: "Not Available"; Align-GVGD: "Class C0"). In summary, the available evidence is currently insufficient to determine the role of this variant in disease. Therefore, it has been classified as a Variant of Uncertain Significance.